The following is an entry in ClinVar:

NM_006019.4(TCIRG1):c.1398T>G (p.Ser466Arg)

Gene: TCIRG1 (T cell immune regulator 1, ATPase H+ transporting V0 subunit a3; plus strand). Cytogenetic location: 11q13.2.
Variant type: single nucleotide variant.
Coding change: c.1398T>G on transcript NM_006019.4 (MANE Select); coding-DNA position 1398, T replaced by G.
Protein change: p.Ser466Arg; replaces serine 466 with arginine.
Molecular consequence: missense variant.
Genome position (GRCh38, 1-based): chr11:68,047,739, T>G. VCF-style: chr11-68047739-T-G. GRCh37 (hg19) VCF-style: chr11-67815206-T-G.
Other names: c.504T>G, p.Ser168Arg (NM_001351059.2); c.750T>G, p.Ser250Arg (NM_006053.4); short protein forms S250R, S466R, S168R.
Identifiers: ClinVar variation 3702916 (VCV003702916.1).
Genomic context (GRCh38, chr11:68,047,739, plus strand): 5'-GCTCCTGCTTATGGGCCTGTTCTCCATCTACACCGGCTTCATCTACAACGAGTGCTTCAG[T>G]CGCGCCACCAGCATCTTCCCCTCGGGCTGGAGTGTGGCCGCCATGGCCAACCAGTCTGGC-3'
Protein context (NP_006010.2, residues 456-476): YTGFIYNECF[Ser466Arg]RATSIFPSGW

ClinVar aggregate classification (germline): Uncertain significance (1 of 4 stars; one submission).

gnomAD v4.1: 4 of 1,613,280 alleles (0.00025%); highest among the groups gnomAD compares: Non-Finnish European, 0.00017%; no homozygotes.

Submission:

Labcorp Genetics (formerly Invitae), Labcorp
Classification: Uncertain significance. Last evaluated: 2024-07-24. Review status: criteria provided, single submitter. Criteria: Invitae Variant Classification Sherloc (09022015). Collection method: clinical testing. Allele origin: germline.
Comment: This sequence change replaces serine, which is neutral and polar, with arginine, which is basic and polar, at codon 466 of the TCIRG1 protein (p.Ser466Arg). This variant is not present in population databases (gnomAD no frequency). This variant has not been reported in the literature in individuals affected with TCIRG1-related conditions. Advanced modeling of protein sequence and biophysical properties (such as structural, functional, and spatial information, amino acid conservation, physicochemical variation, residue mobility, and thermodynamic stability) performed at Invitae indicates that this missense variant is expected to disrupt TCIRG1 protein function with a positive predictive value of 80%. In summary, the available evidence is currently insufficient to determine the role of this variant in disease. Therefore, it has been classified as a Variant of Uncertain Significance.